The following is an entry in ClinVar:

NM_001164508.2(NEB):c.20602A>T (p.Lys6868Ter)

Gene: NEB (nebulin; minus strand). Cytogenetic location: 2q23.3.
Variant type: single nucleotide variant.
Coding change: c.20602A>T on transcript NM_001164508.2 (MANE Select); coding-DNA position 20602, A replaced by T.
Protein change: p.Lys6868Ter; replaces lysine 6868 with a stop codon.
Molecular consequence: nonsense.
Genome position (GRCh38, 1-based): chr2:151,541,527, T>A on the plus strand (A>T on the coding strand, the complement: NEB is on the minus strand). VCF-style: chr2-151541527-T-A. GRCh37 (hg19) VCF-style: chr2-152398041-T-A.
Other names: c.20602A>T, p.Lys6868Ter (NM_001164507.2, NM_001271208.2); c.15499A>T, p.Lys5167Ter (NM_004543.5); short protein forms K5167*, K6868*.
Identifiers: ClinVar variation 5011574 (VCV005011574.1).

ClinVar aggregate classification (germline): Pathogenic (1 of 4 stars; one submission).

Conditions:
Nemaline myopathy 2 (NEM2). Also called: Nemaline myopathy 2, autosomal recessive. Identifiers: MedGen C1850569, MONDO:0009725, OMIM 256030.

Submission:

Myriad Genetics, Inc.
Classification: Pathogenic for Nemaline myopathy 2. Last evaluated: 2023-09-05. Review status: criteria provided, single submitter. Criteria: Myriad Autosomal Dominant, Autosomal Recessive and X-Linked Classification Criteria (2023). Collection method: clinical testing. Allele origin: unknown.
Comment: NM_001271208.1(NEB):c.20602A>T(K6868*) is expected to be pathogenic in the context of NEB-related nemaline myopathy. This variant is predicted to lead to an abnormal or absent protein product due to the creation of a premature termination codon in NEB, a gene where loss-of-function variants are known to be pathogenic. Please note: this variant was assessed in the context of healthy population screening.